The following is an entry in ClinVar:

NM_000059.4(BRCA2):c.10248dup (p.Tyr3417fs)

Gene: BRCA2 (BRCA2 DNA repair associated; plus strand). Cytogenetic location: 13q13.1.
Variant type: Duplication.
Coding change: c.10248dup on transcript NM_000059.4 (MANE Select); coding-DNA position 10248, one base duplicated (A; older notation c.10248dupA).
Protein change: p.Tyr3417fs; shifts the reading frame from tyrosine 3417.
Molecular consequence: frameshift variant.
Genome position (GRCh38, 1-based): chr13:32,398,761, A duplicated; the last of 6 consecutive A bases (chr13:32,398,756-32,398,761); duplicating any one gives the same sequence. VCF-style (leftmost placement, unchanged base first): chr13-32398755-T-TA. GRCh37 (hg19) VCF-style: chr13-32972892-T-TA.
Other names: c.10248dupA (NM_000059.3); c.10248dup (NM_000059.3); short protein forms Y3417fs.
Identifiers: ClinVar variation 1530328 (VCV001530328.11), dbSNP rs776212316, ClinGen allele CA6941482.

ClinVar aggregate classification (germline): Uncertain significance. Review status: criteria provided, multiple submitters, no conflicts (2 of 4 stars). 4 submissions from 4 submitters: Uncertain significance (4). Last evaluated 2023-07-14.

Conditions:
Hereditary breast ovarian cancer syndrome. Also called: Breast and ovarian cancer; BRCA1- and BRCA2-Associated Hereditary Breast and Ovarian Cancer; Hereditary breast and ovarian cancer syndrome; Hereditary breast and ovarian cancer; Hereditary breast and ovarian cancer syndrome (HBOC); Hereditary breast and/or ovarian cancer syndrome. Identifiers: Orphanet 145, MedGen C0677776, MeSH D061325, MONDO:0003582. Disease mechanism: loss of function.
Hereditary cancer-predisposing syndrome. Also called: Neoplastic Syndromes, Hereditary; Hereditary Cancer Syndrome; Tumor predisposition; Hereditary neoplastic syndrome. Identifiers: Orphanet 140162, MedGen C0027672, MeSH D009386, MONDO:0015356.

Submissions (4):

Labcorp Genetics (formerly Invitae), Labcorp
Classification: Uncertain significance for Hereditary breast ovarian cancer syndrome. Last evaluated: 2023-07-14. Review status: criteria provided, single submitter. Criteria: Invitae Variant Classification Sherloc (09022015). Collection method: clinical testing. Allele origin: germline.
Comment: This sequence change results in a frameshift in the BRCA2 gene (p.Tyr3417Ilefs*21). While this is not anticipated to result in nonsense mediated decay, it is expected to disrupt the last 2 amino acid(s) of the BRCA2 protein and extend the protein by 18 additional amino acid residues. This variant has not been reported in the literature in individuals affected with BRCA2-related conditions. This variant is present in population databases (rs776212316, gnomAD 0.003%). In summary, the available evidence is currently insufficient to determine the role of this variant in disease. Therefore, it has been classified as a Variant of Uncertain Significance.

Ambry Genetics
Classification: Uncertain significance for Hereditary cancer-predisposing syndrome. Last evaluated: 2022-11-02. Review status: criteria provided, single submitter. Criteria: Ambry Variant Classification Scheme 2023. Collection method: clinical testing. Allele origin: germline.
Comment: The c.10248dupA variant, located in coding exon 26 of the BRCA2 gene, results from a duplication of A at nucleotide position 10248, causing a translational frameshift with a predicted alternate stop codon (p.Y3417Ifs*21). This alteration occurs at the 3' terminus of the BRCA2 gene, is not expected to trigger nonsense-mediated mRNA decay and results in the elongation of the protein by 18 amino acids. This frameshift impacts the last 2 amino acids of the native protein. The exact functional effect of the altered amino acids is unknown. Since supporting evidence is limited at this time, the clinical significance of this alteration remains unclear.

GeneDx
Classification: Uncertain significance. Last evaluated: 2022-08-12. Review status: criteria provided, single submitter. Criteria: GeneDx Variant Classification Process June 2021. Collection method: clinical testing. Allele origin: germline. Affected: yes.
Comment: Frameshift variant predicted to result in protein truncation as the last 2 amino acids are replaced with 20 different amino acids, although loss-of-function variants have not been reported downstream of this position in the protein; Located in a region that tolerates variation and lacks pathogenic variants; Has not been previously published as pathogenic or benign to our knowledge; Not observed at significant frequency in large population cohorts (gnomAD); Also known as 10476dupA

Mendelics
Classification: Uncertain significance. Last evaluated: 2022-05-04. Review status: criteria provided, single submitter. Criteria: Mendelics Assertion Criteria 2019. Collection method: clinical testing. Allele origin: germline.